The following is an entry in ClinVar:

ClinVar aggregate classification (germline): Pathogenic. Review status: criteria provided, multiple submitters, no conflicts (2 of 4 stars). 2 submissions from 2 submitters: Pathogenic (2). Last evaluated 2020-08-27.

Conditions:
Glycogen storage disease IXb (GSD9B). Also called: GLYCOGENOSIS OF LIVER AND MUSCLE, AUTOSOMAL RECESSIVE; GSD IXb; PHOSPHORYLASE KINASE DEFICIENCY OF LIVER AND MUSCLE, AUTOSOMAL RECESSIVE. Identifiers: Orphanet 79240, MedGen C0543514, MONDO:0009868, OMIM 261750.

Submissions (2):

Centre for Human Genetics
Classification: Pathogenic for Glycogen storage disease IXb. Last evaluated: 2020-08-27. Review status: criteria provided, single submitter. Criteria: ACMG Guidelines, 2015. Collection method: clinical testing. Allele origin: inherited. Inheritance: Autosomal recessive inheritance. Affected: yes. Observed: 1 variant allele.
Comment: disease causing

Kasturba Medical College, Manipal, Kasturba Medical College, Manipal, Manipal Academy of Higher Education, Manipal, India
Classification: Pathogenic for Glycogen storage disease IXb. Review status: criteria provided, single submitter. Criteria: ACMG Guidelines, 2015. Collection method: research. Allele origin: biparental. Inheritance: Autosomal recessive inheritance. Affected: yes. Observed: 1 homozygote.
Comment: This variant is absent in homozygous and/or heterozygous state in gnomAD population database (v4.1.0) and our in-house database of 3673 exomes. This variant is reported as pathogenic in ClinVar database by a single submitter (Variation ID: VCV000998116.1). This canonical splice-site variant likely results in aberrant splicing which may lead to either the formation of a truncated protein product or the transcript to undergo nonsense mediated mRNA decay.

NM_000293.3(PHKB):c.1364-2A>G

Gene: PHKB (phosphorylase kinase regulatory subunit beta; plus strand). Cytogenetic location: 16q12.1.
Variant type: single nucleotide variant.
Coding change: c.1364-2A>G on transcript NM_000293.3 (MANE Select); the canonical splice acceptor site of the intron before coding-DNA position 1364, A replaced by G.
Molecular consequence: splice acceptor variant.
Genome position (GRCh38, 1-based): chr16:47,610,824, A>G. VCF-style: chr16-47610824-A-G. GRCh37 (hg19) VCF-style: chr16-47644735-A-G.
Other names: c.1364-2A>G (NM_001363837.1); c.1343-2A>G (NM_001031835.3).
Identifiers: ClinVar variation 998116 (VCV000998116.2), dbSNP rs1972413438, ClinGen allele CA395802450.